The following is an entry in ClinVar:

NM_014285.7(EXOSC2):c.503_504del (p.Gln168fs)

Gene: EXOSC2 (exosome component 2; plus strand). Cytogenetic location: 9q34.12.
Variant type: Deletion.
Coding change: c.503_504del on transcript NM_014285.7 (MANE Select); coding-DNA positions 503 to 504, 2 bases deleted (AG; older notation c.503_504delAG).
Protein change: p.Gln168fs; shifts the reading frame from glutamine 168.
Molecular consequence: frameshift variant. On other transcripts: non-coding transcript variant (1), splice acceptor variant (1).
Genome position (GRCh38, 1-based): chr9:130,702,141-130,702,142, AG deleted. VCF-style (leftmost placement, unchanged base first): chr9-130702140-CAG-C. GRCh37 (hg19) VCF-style: chr9-133577527-CAG-C.
Other names: c.413_414del, p.Gln138fs (NM_001282709.1); c.427-2_427-1del (NM_001282708.1); short protein forms Q168fs, Q138fs.
Identifiers: ClinVar variation 2888555 (VCV002888555.2), dbSNP rs760414467, ClinGen allele CA5284908.

ClinVar aggregate classification (germline): Uncertain significance (1 of 4 stars; one submission).

Allele frequency attached by ClinVar (database versions not stated): gnomAD exomes below 0.00001; TOPMed below 0.00001; ExAC 0.00001.

Submission:

Labcorp Genetics (formerly Invitae), Labcorp
Classification: Uncertain significance. Last evaluated: 2023-01-06. Review status: criteria provided, single submitter. Criteria: Invitae Variant Classification Sherloc (09022015). Collection method: clinical testing. Allele origin: germline.
Comment: In summary, the available evidence is currently insufficient to determine the role of this variant in disease. Therefore, it has been classified as a Variant of Uncertain Significance. Algorithms developed to predict the effect of sequence changes on RNA splicing suggest that this variant may create or strengthen a splice site. This variant has not been reported in the literature in individuals affected with EXOSC2-related conditions. This variant is present in population databases (rs760414467, gnomAD 0.003%). This sequence change creates a premature translational stop signal (p.Gln168Argfs*20) in the EXOSC2 gene. It is expected to result in an absent or disrupted protein product. However, the current clinical and genetic evidence is not sufficient to establish whether loss-of-function variants in EXOSC2 cause disease.